The following is an entry in ClinVar:

ClinVar aggregate classification (germline): Uncertain significance (1 of 4 stars; one submission).

Conditions:
Hereditary cancer-predisposing syndrome. Also called: Neoplastic Syndromes, Hereditary; Tumor predisposition; Hereditary Cancer Syndrome; Hereditary neoplastic syndrome. Identifiers: Orphanet 140162, MedGen C0027672, MeSH D009386, MONDO:0015356.

gnomAD v4.1: 2 of 1,610,302 alleles (0.00012%); highest among the groups gnomAD compares: South Asian, 0.0011%; no homozygotes.

Submission:

Ambry Genetics
Classification: Uncertain significance for Hereditary cancer-predisposing syndrome. Last evaluated: 2024-08-17. Review status: criteria provided, single submitter. Criteria: Ambry Variant Classification Scheme 2023. Collection method: clinical testing. Allele origin: germline.
Comment: The p.A270P variant (also known as c.808G>C), located in coding exon 6 of the POLD1 gene, results from a G to C substitution at nucleotide position 808. The alanine at codon 270 is replaced by proline, an amino acid with highly similar properties. This amino acid position is conserved. In addition, this alteration is predicted to be tolerated by in silico analysis. Based on the available evidence, the clinical significance of this variant remains unclear.

NM_002691.4(POLD1):c.808G>C (p.Ala270Pro)

Gene: POLD1 (DNA polymerase delta 1, catalytic subunit; plus strand). Cytogenetic location: 19q13.33.
Variant type: single nucleotide variant.
Coding change: c.808G>C on transcript NM_002691.4 (MANE Select); coding-DNA position 808, G replaced by C.
Protein change: p.Ala270Pro; replaces alanine 270 with proline.
Molecular consequence: missense variant. On other transcripts: non-coding transcript variant (1).
Genome position (GRCh38, 1-based): chr19:50,402,503, G>C. VCF-style: chr19-50402503-G-C. GRCh37 (hg19) VCF-style: chr19-50905760-G-C.
Other names: c.808G>C, p.Ala270Pro (NM_001256849.1, NM_001308632.1); short protein forms A270P.
Identifiers: ClinVar variation 3421936 (VCV003421936.1).
Genomic context (GRCh38, chr19:50,402,503, plus strand): 5'-GCCCCCTCCAGGTTCATGGTGGACACGGACATCGTCGGCTGCAACTGGCTGGAGCTCCCA[G>C]CTGGGAAATACGCCCTGAGGCTGAAGGAGAAGGTGCAGGGCTTCCCAGGGCAGGGCTGGG-3'
Protein context (NP_002682.2, residues 260-280): IVGCNWLELP[Ala270Pro]GKYALRLKEK